The following is an entry in ClinVar:

NM_032043.3(BRIP1):c.3360T>C (p.Asp1120=)

Gene: BRIP1 (BRCA1 interacting DNA helicase 1; minus strand). Cytogenetic location: 17q23.2.
Variant type: single nucleotide variant.
Coding change: c.3360T>C on transcript NM_032043.3 (MANE Select); coding-DNA position 3360, T replaced by C.
Protein change: p.Asp1120=; no amino-acid change (aspartic acid 1120 retained).
Molecular consequence: synonymous variant.
Genome position (GRCh38, 1-based): chr17:61,683,686, A>G on the plus strand (T>C on the coding strand, the complement: BRIP1 is on the minus strand). VCF-style: chr17-61683686-A-G. GRCh37 (hg19) VCF-style: chr17-59761047-A-G.
Identifiers: ClinVar variation 233942 (VCV000233942.11), dbSNP rs876660747, ClinGen allele CA10580776.

ClinVar aggregate classification (germline): Benign/Likely benign. Review status: criteria provided, multiple submitters, no conflicts (2 of 4 stars). 3 submissions from 3 submitters: Benign (1); Likely benign (2). Last evaluated 2025-10-13.

Conditions:
Fanconi anemia complementation group J. Also called: BRIP1-Related Fanconi Anemia. Identifiers: Orphanet 84, MedGen C1836860, MONDO:0012187, OMIM 609054.
Familial cancer of breast. Also called: hereditary breast carcinoma; BREAST CANCER, FAMILIAL; Hereditary breast cancer. Identifiers: Orphanet 227535, MedGen C0346153, MONDO:0016419, OMIM 114480. Disease mechanism: loss of function.
Hereditary cancer-predisposing syndrome. Also called: Tumor predisposition; Hereditary Cancer Syndrome; Hereditary neoplastic syndrome; Neoplastic Syndromes, Hereditary. Identifiers: Orphanet 140162, MedGen C0027672, MeSH D009386, MONDO:0015356.

Submissions (3):

Labcorp Genetics (formerly Invitae), Labcorp
Classification: Likely benign for Familial cancer of breast; Fanconi anemia complementation group J. Last evaluated: 2025-10-13. Review status: criteria provided, single submitter. Criteria: Invitae Variant Classification Sherloc (09022015). Collection method: clinical testing. Allele origin: germline.

Myriad Genetics, Inc.
Classification: Benign for Familial cancer of breast. Last evaluated: 2024-09-10. Review status: criteria provided, single submitter. Criteria: Myriad Autosomal Dominant, Autosomal Recessive and X-Linked Classification Criteria (2023). Collection method: clinical testing. Allele origin: unknown.
Comment: This variant is considered benign. This variant is a silent/synonymous amino acid change and it is not expected to impact splicing.

Ambry Genetics
Classification: Likely benign for Hereditary cancer-predisposing syndrome. Last evaluated: 2015-09-14. Review status: criteria provided, single submitter. Criteria: Ambry Variant Classification Scheme 2023. Collection method: clinical testing. Allele origin: germline.